The following is an entry in ClinVar:

ClinVar aggregate classification (germline): Uncertain significance. Review status: criteria provided, multiple submitters, no conflicts (2 of 4 stars). 2 submissions from 2 submitters: Uncertain significance (2). Last evaluated 2025-05-18.

Conditions:
Inborn genetic diseases. Identifiers: MedGen C0950123, MeSH D030342.
Fanconi anemia complementation group E (FANCE). Also called: FANCE-Related Fanconi Anemia. Identifiers: Orphanet 84, MedGen C3160739, MONDO:0010953, OMIM 600901.

gnomAD v4.1: 13 of 1,613,180 alleles (0.00081%); highest among the groups gnomAD compares: African/African-American, 0.015%; no homozygotes.

Submissions (2):

Ambry Genetics
Classification: Uncertain significance for Inborn genetic diseases. Last evaluated: 2025-05-18. Review status: criteria provided, single submitter. Criteria: Ambry Variant Classification Scheme 2023. Collection method: clinical testing. Allele origin: germline.

Labcorp Genetics (formerly Invitae), Labcorp
Classification: Uncertain significance for Fanconi anemia complementation group E. Last evaluated: 2025-01-11. Review status: criteria provided, single submitter. Criteria: Invitae Variant Classification Sherloc (09022015). Collection method: clinical testing. Allele origin: germline.
Comment: This sequence change replaces proline, which is neutral and non-polar, with leucine, which is neutral and non-polar, at codon 184 of the FANCE protein (p.Pro184Leu). This variant is present in population databases (rs373268808, gnomAD 0.01%). This variant has not been reported in the literature in individuals affected with FANCE-related conditions. Invitae Evidence Modeling of protein sequence and biophysical properties (such as structural, functional, and spatial information, amino acid conservation, physicochemical variation, residue mobility, and thermodynamic stability) indicates that this missense variant is not expected to disrupt FANCE protein function with a negative predictive value of 80%. In summary, the available evidence is currently insufficient to determine the role of this variant in disease. Therefore, it has been classified as a Variant of Uncertain Significance.

NM_021922.3(FANCE):c.551C>T (p.Pro184Leu)

Gene: FANCE (FA complementation group E; plus strand). Cytogenetic location: 6p21.31.
Variant type: single nucleotide variant.
Coding change: c.551C>T on transcript NM_021922.3 (MANE Select); coding-DNA position 551, C replaced by T.
Protein change: p.Pro184Leu; replaces proline 184 with leucine.
Molecular consequence: missense variant.
Genome position (GRCh38, 1-based): chr6:35,456,049, C>T. VCF-style: chr6-35456049-C-T. GRCh37 (hg19) VCF-style: chr6-35423826-C-T.
Other names: c.551C>T, p.Pro184Leu (NM_001410876.1); short protein forms P184L.
Identifiers: ClinVar variation 3655939 (VCV003655939.2).